The following is an entry in ClinVar:

ClinVar aggregate classification (germline): Likely pathogenic (1 of 4 stars; one submission).

Conditions:
PMM2-congenital disorder of glycosylation. Also called: Congenital disorder of glycosylation, type Ia; PHOSPHOMANNOMUTASE 2 DEFICIENCY; CARBOHYDRATE-DEFICIENT GLYCOPROTEIN SYNDROME, TYPE Ia; CDG Ia; JAEKEN SYNDROME; PMM2-CDG. Identifiers: Orphanet 79318, MedGen C0349653, MONDO:0008907, OMIM 212065.

Submission:

Variantyx, Inc.
Classification: Likely pathogenic for PMM2-congenital disorder of glycosylation. Last evaluated: 2025-08-28. Review status: criteria provided, single submitter. Criteria: Variantyx Assertion Criteria 2022. Collection method: clinical testing. Allele origin: germline. Inheritance: Autosomal recessive inheritance. Affected: no.
Comment: This is a nonsynonymous variant in the PMM2 gene (OMIM: 601785). Pathogenic variants in this gene have been associated with autosomal recessive congenital disorder of glycosylation type Ia. Multiple computational algorithms predict a deleterious effect for this variant (REVEL score: 0.938) (PP3), and an alternate nucleotide substitution resulting in the same amino acid change (c.53C>G) has been previously reported as pathogenic (PMID: 15844218) (PS1). This variant is absent from control populations (PM2), and it has not been reported in individuals with PMM2-related disorders in the databases available for review. Based on the current evidence, this variant is classified as likely pathogenic for autosomal recessive congenital disorder of glycosylation type Ia.

Literature cited by the submitters: PubMed 15844218.

NM_000303.3(PMM2):c.52A>T (p.Thr18Ser)

Gene: PMM2 (phosphomannomutase 2; plus strand). Cytogenetic location: 16p13.2.
Variant type: single nucleotide variant.
Coding change: c.52A>T on transcript NM_000303.3 (MANE Select); coding-DNA position 52, A replaced by T.
Protein change: p.Thr18Ser; replaces threonine 18 with serine.
Molecular consequence: missense variant.
Genome position (GRCh38, 1-based): chr16:8,797,934, A>T. VCF-style: chr16-8797934-A-T. GRCh37 (hg19) VCF-style: chr16-8891791-A-T.
Other names: short protein forms T18S.
Identifiers: ClinVar variation 4850035 (VCV004850035.1).